The following is an entry in ClinVar:

NM_001083961.2(WDR62):c.26A>G (p.Tyr9Cys)

Gene: WDR62 (WD repeat domain 62; plus strand). Cytogenetic location: 19q13.12.
Variant type: single nucleotide variant.
Coding change: c.26A>G on transcript NM_001083961.2 (MANE Select); coding-DNA position 26, A replaced by G.
Protein change: p.Tyr9Cys; replaces tyrosine 9 with cysteine.
Molecular consequence: missense variant.
Genome position (GRCh38, 1-based): chr19:36,054,997, A>G. VCF-style: chr19-36054997-A-G. GRCh37 (hg19) VCF-style: chr19-36545899-A-G.
Other names: c.26A>G, p.Tyr9Cys (NM_173636.5); short protein forms Y9C.
Identifiers: ClinVar variation 1405313 (VCV001405313.6), dbSNP rs759466940, ClinGen allele CA9395116.

ClinVar aggregate classification (germline): Uncertain significance (1 of 4 stars; one submission).

gnomAD v4.1: 30 of 1,607,142 alleles (0.0019%); highest among the groups gnomAD compares: East Asian, 0.058%; no homozygotes.

Submission:

Labcorp Genetics (formerly Invitae), Labcorp
Classification: Uncertain significance. Last evaluated: 2021-10-11. Review status: criteria provided, single submitter. Criteria: Invitae Variant Classification Sherloc (09022015). Collection method: clinical testing. Allele origin: germline.
Comment: Algorithms developed to predict the effect of missense changes on protein structure and function output the following: SIFT: "Tolerated"; PolyPhen-2: "Benign"; Align-GVGD: "Class C0". The cysteine amino acid residue is found in multiple mammalian species, which suggests that this missense change does not adversely affect protein function. Algorithms developed to predict the effect of sequence changes on RNA splicing suggest that this variant may create or strengthen a splice site. In summary, the available evidence is currently insufficient to determine the role of this variant in disease. Therefore, it has been classified as a Variant of Uncertain Significance. This variant has not been reported in the literature in individuals affected with WDR62-related conditions. This sequence change replaces tyrosine with cysteine at codon 9 of the WDR62 protein (p.Tyr9Cys). The tyrosine residue is weakly conserved and there is a large physicochemical difference between tyrosine and cysteine. This variant is present in population databases (rs759466940, ExAC 0.08%).